The following is an entry in ClinVar:

ClinVar aggregate classification (germline): Likely benign (0 of 4 stars; one submission).

Conditions:
CEP250-related disorder. Also called: CEP250-related condition.

Allele frequency attached by ClinVar (database versions not stated): gnomAD exomes below 0.00001.

Submission:

PreventionGenetics, part of Exact Sciences
Classification: Likely benign for CEP250-related condition. Last evaluated: 2019-08-30. Review status: no assertion criteria provided. Collection method: clinical testing. Allele origin: germline.
Comment: This variant is classified as likely benign based on ACMG/AMP sequence variant interpretation guidelines (Richards et al. 2015 PMID: 25741868, with internal and published modifications).

NM_007186.6(CEP250):c.3033+4_3033+5insA

Gene: CEP250 (centrosomal protein 250; plus strand). Cytogenetic location: 20q11.22.
Variant type: Insertion.
Coding change: c.3033+4_3033+5insA on transcript NM_007186.6 (MANE Select); bases 4 to 5 of the intron after coding-DNA position 3033, A inserted.
Molecular consequence: intron variant.
Genome position: GRCh38 VCF-style: chr20-35493576-C-CA. GRCh37 (hg19) VCF-style: chr20-34081403-C-CA.
Other names: c.1137+4_1137+5insA (NM_001318219.1).
Identifiers: ClinVar variation 3042302 (VCV003042302.2), dbSNP rs2063756948, ClinGen allele CA2652622621.